The following is an entry in ClinVar:

NM_001042492.3(NF1):c.4879G>T (p.Val1627Phe)

Gene: NF1 (neurofibromin 1; plus strand). Cytogenetic location: 17q11.2.
Variant type: single nucleotide variant.
Coding change: c.4879G>T on transcript NM_001042492.3 (MANE Select); coding-DNA position 4879, G replaced by T.
Protein change: p.Val1627Phe; replaces valine 1627 with phenylalanine.
Molecular consequence: missense variant.
Genome position (GRCh38, 1-based): chr17:31,325,863, G>T. VCF-style: chr17-31325863-G-T. GRCh37 (hg19) VCF-style: chr17-29652881-G-T.
Other names: c.4816G>T, p.Val1606Phe (NM_000267.4); short protein forms V1606F, V1627F.
Identifiers: ClinVar variation 4800773 (VCV004800773.1).

ClinVar aggregate classification (germline): Uncertain significance (1 of 4 stars; one submission).

Conditions:
Neurofibromatosis, type 1 (NF1). Also called: VON RECKLINGHAUSEN DISEASE; Neurofibromatosis, type I; NEUROFIBROMATOSIS, TYPE I, SOMATIC; Peripheral type neurofibromatosis. Identifiers: Orphanet 636, MedGen C0027831, MONDO:0018975, OMIM 162200. Disease mechanism: loss of function.

Submission:

Labcorp Genetics (formerly Invitae), Labcorp
Classification: Uncertain significance for Neurofibromatosis, type 1. Last evaluated: 2025-09-09. Review status: criteria provided, single submitter. Criteria: Invitae Variant Classification Sherloc (09022015). Collection method: clinical testing. Allele origin: germline.
Comment: This sequence change replaces valine, which is neutral and non-polar, with phenylalanine, which is neutral and non-polar, at codon 1606 of the NF1 protein (p.Val1606Phe). This variant is not present in population databases (gnomAD no frequency). This variant has not been reported in the literature in individuals affected with NF1-related conditions. Invitae Evidence Modeling of protein sequence and biophysical properties (such as structural, functional, and spatial information, amino acid conservation, physicochemical variation, residue mobility, and thermodynamic stability) indicates that this missense variant is expected to disrupt NF1 protein function with a positive predictive value of 95%. This variant disrupts the p.Val1606 amino acid residue in NF1. Other variant(s) that disrupt this residue have been determined to be pathogenic (PMID: 31766501; External communication, internal data). This suggests that this residue is clinically significant, and that variants that disrupt this residue are likely to be disease-causing. In summary, the available evidence is currently insufficient to determine the role of this variant in disease. Therefore, it has been classified as a Variant of Uncertain Significance.

Literature cited by the submitters: PubMed 31766501.